The following is an entry in ClinVar:

ClinVar aggregate classification (germline): Pathogenic (1 of 4 stars; one submission).

Conditions:
Familial adenomatous polyposis 1 (FAP1). Also called: FAMILIAL ADENOMATOUS POLYPOSIS 1, ATTENUATED; POLYPOSIS, ADENOMATOUS INTESTINAL. Identifiers: MedGen C2713442, MONDO:0021056, OMIM 175100. Disease mechanism: loss of function.

Submission:

Myriad Genetics, Inc.
Classification: Pathogenic for Familial adenomatous polyposis 1. Last evaluated: 2023-05-09. Review status: criteria provided, single submitter. Criteria: Myriad Autosomal Dominant, Autosomal Recessive and X-Linked Classification Criteria (2023). Collection method: clinical testing. Allele origin: unknown.
Comment: This variant is considered pathogenic. This variant creates a termination codon and is predicted to result in premature protein truncation.

NM_000038.6(APC):c.3980C>A (p.Ser1327Ter)

Gene: APC (APC regulator of Wnt signaling pathway; plus strand). Cytogenetic location: 5q22.2.
Variant type: single nucleotide variant.
Coding change: c.3980C>A on transcript NM_000038.6 (MANE Select); coding-DNA position 3980, C replaced by A.
Protein change: p.Ser1327Ter; replaces serine 1327 with a stop codon.
Molecular consequence: nonsense. On other transcripts: non-coding transcript variant (2).
Genome position (GRCh38, 1-based): chr5:112,839,574, C>A. VCF-style: chr5-112839574-C-A. GRCh37 (hg19) VCF-style: chr5-112175271-C-A.
Other names: c.3980C>A, p.Ser1327Ter (NM_001127510.3, NM_001354895.2, NM_001407450.1); c.3926C>A, p.Ser1309Ter (NM_001127511.3); c.4034C>A, p.Ser1345Ter (NM_001354896.2, NM_001407447.1, NM_001407448.1 and 1 more transcripts); c.4010C>A, p.Ser1337Ter (NM_001354897.2); c.3905C>A, p.Ser1302Ter (NM_001354898.2); c.3896C>A, p.Ser1299Ter (NM_001354899.2); c.3857C>A, p.Ser1286Ter (NM_001354900.2); c.3803C>A, p.Ser1268Ter (NM_001354901.2, NM_001407453.1); and 11 more; short protein forms S1044*, S1167*, S1198*, S1201*, S1226*, S1236*, S1244*, S1268*.
Identifiers: ClinVar variation 2584181 (VCV002584181.1), dbSNP rs1554085429, ClinGen allele CA16030058.